The following is an entry in ClinVar:

ClinVar aggregate classification (germline): Likely benign. Review status: criteria provided, single submitter (1 of 4 stars). 2 submissions from 2 submitters: Likely benign (1). 1 of the submissions does not count toward it. Last evaluated 2023-12-12.

Conditions:
Deficiency of alpha-mannosidase (MANSA). Also called: Alpha-Mannosidosis; LYSOSOMAL ALPHA-D-MANNOSIDASE DEFICIENCY; Mannosidosis, alpha-, types I and II. Identifiers: Orphanet 61, MedGen C0024748, MONDO:0009561, OMIM 248500.
MAN2B1-related disorder. Also called: MAN2B1-related condition.

Submissions (2):

Labcorp Genetics (formerly Invitae), Labcorp
Classification: Likely benign for Deficiency of alpha-mannosidase. Last evaluated: 2023-12-12. Review status: criteria provided, single submitter. Criteria: Invitae Variant Classification Sherloc (09022015). Collection method: clinical testing. Allele origin: germline.

PreventionGenetics, part of Exact Sciences
Classification: Likely benign for MAN2B1-related condition. Last evaluated: 2019-04-02. Review status: no assertion criteria provided. Collection method: clinical testing. Allele origin: germline. Not counted in ClinVar's aggregate classification.
Comment: This variant is classified as likely benign based on ACMG/AMP sequence variant interpretation guidelines (Richards et al. 2015 PMID: 25741868, with internal and published modifications).

NM_000528.4(MAN2B1):c.2256C>T (p.Ile752=)

Gene: MAN2B1 (mannosidase alpha class 2B member 1; minus strand). Cytogenetic location: 19p13.13.
Variant type: single nucleotide variant.
Coding change: c.2256C>T on transcript NM_000528.4 (MANE Select); coding-DNA position 2256, C replaced by T.
Protein change: p.Ile752=; no amino-acid change (isoleucine 752 retained).
Molecular consequence: synonymous variant.
Genome position (GRCh38, 1-based): chr19:12,649,924, G>A on the plus strand (C>T on the coding strand, the complement: MAN2B1 is on the minus strand). VCF-style: chr19-12649924-G-A. GRCh37 (hg19) VCF-style: chr19-12760738-G-A.
Other names: c.2253C>T, p.Ile751= (NM_001173498.2); c.2256C>T (NM_000528.3).
Identifiers: ClinVar variation 2702466 (VCV002702466.5), dbSNP rs2512489535, ClinGen allele CA505770851.